The following is an entry in ClinVar:

ClinVar aggregate classification (germline): Uncertain significance (1 of 4 stars; one submission).

Allele frequency attached by ClinVar (database versions not stated): ExAC 0.00001; gnomAD 0.00001.
gnomAD v4.1: 10 of 1,613,712 alleles (0.00062%); highest among the groups gnomAD compares: Middle Eastern, 0.033%; no homozygotes.

Submission:

Labcorp Genetics (formerly Invitae), Labcorp
Classification: Uncertain significance. Last evaluated: 2025-11-02. Review status: criteria provided, single submitter. Criteria: Invitae Variant Classification Sherloc (09022015). Collection method: clinical testing. Allele origin: germline.
Comment: This sequence change replaces valine, which is neutral and non-polar, with isoleucine, which is neutral and non-polar, at codon 2349 of the CELSR2 protein (p.Val2349Ile). This variant is present in population databases (rs750587946, gnomAD 0.007%). This variant has not been reported in the literature in individuals affected with CELSR2-related conditions. ClinVar contains an entry for this variant (Variation ID: 2733967). Invitae Evidence Modeling of protein sequence and biophysical properties (such as structural, functional, and spatial information, amino acid conservation, physicochemical variation, residue mobility, and thermodynamic stability) indicates that this missense variant is not expected to disrupt CELSR2 protein function with a negative predictive value of 80%. In summary, the available evidence is currently insufficient to determine the role of this variant in disease. Therefore, it has been classified as a Variant of Uncertain Significance.

NM_001408.3(CELSR2):c.7045G>A (p.Val2349Ile)

Gene: CELSR2 (cadherin EGF LAG seven-pass G-type receptor 2; plus strand). Cytogenetic location: 1p13.3.
Variant type: single nucleotide variant.
Coding change: c.7045G>A on transcript NM_001408.3 (MANE Select); coding-DNA position 7045, G replaced by A.
Protein change: p.Val2349Ile; replaces valine 2349 with isoleucine.
Molecular consequence: missense variant.
Genome position (GRCh38, 1-based): chr1:109,269,758, G>A. VCF-style: chr1-109269758-G-A. GRCh37 (hg19) VCF-style: chr1-109812380-G-A.
Other names: short protein forms V2349I.
Identifiers: ClinVar variation 2733967 (VCV002733967.3), dbSNP rs750587946, ClinGen allele CA988101.